The following is an entry in ClinVar:

NM_003239.5(TGFB3):c.927-1G>C

Gene: TGFB3 (transforming growth factor beta 3; minus strand). Cytogenetic location: 14q24.3.
Variant type: single nucleotide variant.
Coding change: c.927-1G>C on transcript NM_003239.5 (MANE Select); the canonical splice acceptor site of the intron before coding-DNA position 927, G replaced by C.
Molecular consequence: splice acceptor variant.
Genome position (GRCh38, 1-based): chr14:75,961,077, C>G on the plus strand (G>C on the coding strand, the complement: TGFB3 is on the minus strand). VCF-style: chr14-75961077-C-G. GRCh37 (hg19) VCF-style: chr14-76427420-C-G.
Other names: c.927-1G>C (NM_001329939.2).
Identifiers: ClinVar variation 487471 (VCV000487471.12), dbSNP rs767548724, ClinGen allele CA7280296.

ClinVar aggregate classification (germline): Likely pathogenic. Review status: criteria provided, multiple submitters, no conflicts (2 of 4 stars). 3 submissions from 2 submitters: Likely pathogenic (3). Last evaluated 2024-04-10.

Conditions:
Rienhoff syndrome. Also called: LOEYS-DIETZ SYNDROME 5. Identifiers: MedGen C3810012, MONDO:0014262, OMIM 615582.
Arrhythmogenic right ventricular dysplasia 1. Identifiers: Orphanet 3403, MedGen C1862511, MONDO:0007152, OMIM 107970.

Allele frequency attached by ClinVar (database versions not stated): gnomAD exomes below 0.00001; ExAC 0.00001.
gnomAD v4.1: 1 of 1,614,082 alleles (0.000062%); highest among the groups gnomAD compares: Admixed American, 0.0017%; no homozygotes.

Submissions (3):

Labcorp Genetics (formerly Invitae), Labcorp
Classification: Likely pathogenic for Rienhoff syndrome. Last evaluated: 2024-04-10. Review status: criteria provided, single submitter. Criteria: Invitae Variant Classification Sherloc (09022015). Collection method: clinical testing. Allele origin: germline.
Comment: This sequence change affects an acceptor splice site in intron 5 of the TGFB3 gene. It is expected to disrupt RNA splicing. Variants that disrupt the donor or acceptor splice site typically lead to a loss of protein function (PMID: 16199547), and loss-of-function variants in TGFB3 are known to be pathogenic (PMID: 25835445, 26188975). This variant is present in population databases (rs767548724, gnomAD 0.003%). This variant has not been reported in the literature in individuals affected with TGFB3-related conditions. ClinVar contains an entry for this variant (Variation ID: 487471). Algorithms developed to predict the effect of sequence changes on RNA splicing suggest that this variant may disrupt the consensus splice site. In summary, the currently available evidence indicates that the variant is pathogenic, but additional data are needed to prove that conclusively. Therefore, this variant has been classified as Likely Pathogenic.

Center for Genomics, Ann and Robert H. Lurie Children's Hospital of Chicago
Classification: Likely pathogenic for Rienhoff syndrome. Last evaluated: 2017-08-01. Review status: criteria provided, single submitter. Criteria: ACMG Guidelines, 2015. Collection method: clinical testing. Allele origin: germline.
Comment: TGFB3 NM_003239 exon 6 c.927-1G>C: This variant has not been previously reported in the literature but has been identified in 1/33572 Latino chromosomes in the Genome Aggregation Database. This variant alters the consensus splice sequence (+/- 1,2) which is predicted to result in an absent or abnormal protein. Loss of function has been reported as a disease mechanism for this gene and disease (Bertoli-Avella, 2015 PMID:25835445). In summary, data on this variant is highly suspicious for disease, but requires further evidence for pathogenicity. Therefore, this variant classified as likely pathogenic.

Center for Genomics, Ann and Robert H. Lurie Children's Hospital of Chicago
Classification: Likely pathogenic for Arrhythmogenic right ventricular dysplasia 1; Rienhoff syndrome. Review status: criteria provided, single submitter. Criteria: ACMG Guidelines, 2015. Collection method: clinical testing. Allele origin: germline.
Comment: the same text as in the submission from Center for Genomics, Ann and Robert H. Lurie Children's Hospital of Chicago above.

Literature cited by the submitters: PubMed 16199547 (cited by Labcorp Genetics (formerly Invitae), Labcorp); PubMed 25835445 (cited by Labcorp Genetics (formerly Invitae), Labcorp); PubMed 26188975 (cited by Labcorp Genetics (formerly Invitae), Labcorp).